The following is an entry in ClinVar:

ClinVar aggregate classification (germline): Likely benign. Review status: criteria provided, multiple submitters, no conflicts (2 of 4 stars). 2 submissions from 2 submitters: Likely benign (2). Last evaluated 2023-10-29.

Conditions:
X-linked immunodeficiency with magnesium defect, Epstein-Barr virus infection and neoplasia. Identifiers: Orphanet 317476, MedGen C3275445, MONDO:0010455, OMIM 300853.

Allele frequency attached by ClinVar (database versions not stated): gnomAD exomes 0.00001.
gnomAD v4.1: 6 of 1,211,628 alleles (0.0005%); highest among the groups gnomAD compares: Non-Finnish European, 0.00067%; no homozygotes.

Submissions (2):

Labcorp Genetics (formerly Invitae), Labcorp
Classification: Likely benign for X-linked immunodeficiency with magnesium defect, Epstein-Barr virus infection and neoplasia. Last evaluated: 2023-10-29. Review status: criteria provided, single submitter. Criteria: Invitae Variant Classification Sherloc (09022015). Collection method: clinical testing. Allele origin: germline.

CeGaT Center for Human Genetics Tuebingen
Classification: Likely benign. Last evaluated: 2022-11-01. Review status: criteria provided, single submitter. Criteria: CeGaT Center For Human Genetics Tuebingen Variant Classification Criteria Version 2. Collection method: clinical testing. Allele origin: germline. Affected: yes. Observed: 1 variant allele.
Comment: MAGT1: PM2:Supporting, BP4, BP7

NM_001367916.1(MAGT1):c.426T>C (p.Phe142=)

Gene: MAGT1 (magnesium transporter 1; minus strand). Cytogenetic location: Xq21.1.
Variant type: single nucleotide variant.
Coding change: c.426T>C on transcript NM_001367916.1 (MANE Select); coding-DNA position 426, T replaced by C.
Protein change: p.Phe142=; no amino-acid change (phenylalanine 142 retained).
Molecular consequence: synonymous variant.
Genome position (GRCh38, 1-based): chrX:77,857,462, A>G on the plus strand (T>C on the coding strand, the complement: MAGT1 is on the minus strand). VCF-style: chrX-77857462-A-G. GRCh37 (hg19) VCF-style: chrX-77112959-A-G.
Other names: c.522T>C, p.Phe174= (NM_032121.5).
Identifiers: ClinVar variation 2660958 (VCV002660958.27), dbSNP rs2521996910, ClinGen allele CA517381562.